The following is an entry in ClinVar:

ClinVar aggregate classification (germline): Uncertain significance (1 of 4 stars; one submission).

Conditions:
Familial cancer of breast. Also called: BREAST CANCER, FAMILIAL; hereditary breast carcinoma; Hereditary breast cancer. Identifiers: Orphanet 227535, MedGen C0346153, MONDO:0016419, OMIM 114480. Disease mechanism: loss of function.

Submission:

KCCC/NGS Laboratory, Kuwait Cancer Control Center
Classification: Uncertain significance for Familial cancer of breast. Last evaluated: 2025-12-01. Review status: criteria provided, single submitter. Criteria: ACMG Guidelines, 2015. Collection method: clinical testing. Allele origin: germline. Inheritance: Autosomal dominant inheritance. Affected: yes.
Comment: A novel variant of uncertain significance is detected in the BRIP1 gene (c.2979C>A). Algorithms developed to predict the effect of missense changes on protein structure and function (SIFT, PolyPhen-2, Align-GVGD) all suggest that this variant is likely to be tolerated, but these predictions have not been confirmed by published functional studies. This sequence change replaces phenylalanine with leucine at codon 993 of the BRIP1 protein (p.Phe993Leu). The phenylalanine residue is weakly conserved and there is a small physicochemical difference between phenylalanine and leucine. This variant is not present in population databases (ExAC no frequency) and has not been reported in the literature in individuals with a BRIP1-related disease. In summary, this variant is a novel missense change that is not predicted to affect protein function. There is no indication that it causes disease, but the available evidence is currently insufficient to prove that conclusively. Therefore, it has been classified as a Variant of Uncertain Significance.

NM_032043.3(BRIP1):c.2979C>A (p.Phe993Leu)

Gene: BRIP1 (BRCA1 interacting DNA helicase 1; minus strand). Cytogenetic location: 17q23.2.
Variant type: single nucleotide variant.
Coding change: c.2979C>A on transcript NM_032043.3 (MANE Select); coding-DNA position 2979, C replaced by A.
Protein change: p.Phe993Leu; replaces phenylalanine 993 with leucine.
Molecular consequence: missense variant.
Genome position (GRCh38, 1-based): chr17:61,684,067, G>T on the plus strand (C>A on the coding strand, the complement: BRIP1 is on the minus strand). VCF-style: chr17-61684067-G-T. GRCh37 (hg19) VCF-style: chr17-59761428-G-T.
Other names: short protein forms F993L.
Identifiers: ClinVar variation 4686567 (VCV004686567.1).